The following continues an entry in ClinVar:

NM_007294.4(BRCA1):c.2197_2201del (p.Glu733fs)

Gene: BRCA1. ClinVar aggregate classification (germline): Pathogenic. Pathogenic (1).

Submissions 10 to 18 of 18:

Consortium of Investigators of Modifiers of BRCA1/2 (CIMBA), c/o University of Cambridge
Classification: Pathogenic for Breast-ovarian cancer, familial, susceptibility to, 1. Last evaluated: 2015-10-02. Review status: criteria provided, single submitter. Criteria: CIMBA Mutation Classification guidelines May 2016. Collection method: clinical testing. Allele origin: germline. Not counted in ClinVar's aggregate classification.

Clinical Genetics DNA and cytogenetics Diagnostics Lab, Erasmus MC, Erasmus Medical Center
Classification: Pathogenic for Breast-ovarian cancer, familial, susceptibility to, 1. Last evaluated: 2015-09-21. Review status: criteria provided, single submitter. Criteria: ACGS Guidelines, 2013. Collection method: clinical testing. Allele origin: germline. Affected: yes. Study: VKGL Data-share Consensus. Not counted in ClinVar's aggregate classification.

Institute of Human Genetics, Medical University Innsbruck
Classification: Pathogenic for Breast-ovarian cancer, familial 1. Last evaluated: 2015-02-11. Review status: no assertion criteria provided. Criteria: clinical testing. Collection method: clinical testing. Allele origin: germline. Affected: yes. Study: BRCA-Tyrol. Not counted in ClinVar's aggregate classification.
Comment: BRCA-mutation spectrum Western Austria

Research Molecular Genetics Laboratory, Women's College Hospital, University of Toronto
Classification: Pathogenic for Hereditary breast ovarian cancer syndrome. Last evaluated: 2014-01-31. Review status: no assertion criteria provided. Collection method: research. Allele origin: germline. Affected: yes. Study: The Canadian Open Genetics Repository (COGR). Not counted in ClinVar's aggregate classification.

Breast Cancer Information Core (BIC) (BRCA1)
Classification: Pathogenic for Breast-ovarian cancer, familial 1. Last evaluated: 2004-02-20. Review status: no assertion criteria provided. Collection method: clinical testing. Allele origin: germline. Affected: yes. Observed: 5 variant alleles. Not counted in ClinVar's aggregate classification.

Clinical Genetics Laboratory, Department of Pathology, Netherlands Cancer Institute
Classification: Pathogenic. Review status: no assertion criteria provided. Collection method: clinical testing. Allele origin: germline. Affected: yes. Study: VKGL Data-share Consensus. Not counted in ClinVar's aggregate classification.

Diagnostic Laboratory, Department of Genetics, University Medical Center Groningen
Classification: Pathogenic for Breast-ovarian cancer, familial, susceptibility to, 1. Review status: no assertion criteria provided. Collection method: clinical testing. Allele origin: germline. Affected: yes. Study: VKGL Data-share Consensus. Not counted in ClinVar's aggregate classification.

Genome Diagnostics Laboratory, University Medical Center Utrecht
Classification: Pathogenic. Review status: no assertion criteria provided. Collection method: clinical testing. Allele origin: germline. Affected: yes. Study: VKGL Data-share Consensus. Not counted in ClinVar's aggregate classification.

Laboratory of Diagnostic Genome Analysis, Leiden University Medical Center (LUMC)
Classification: Pathogenic. Review status: no assertion criteria provided. Collection method: clinical testing. Allele origin: germline. Affected: yes. Study: VKGL Data-share Consensus. Not counted in ClinVar's aggregate classification.

Literature cited by the submitters: PubMed 7663517 (cited by 3 submitters); PubMed 9145677 (cited by 3 submitters); PubMed 16683254 (cited by 4 submitters); PubMed 19563646 (cited by 3 submitters); PubMed 21553119 (cited by All of Us Research Program, National Institutes of Health and Labcorp Genetics (formerly Invitae), Labcorp); PubMed 27767231 (cited by 3 submitters); PubMed 29446198 (cited by All of Us Research Program, National Institutes of Health and Labcorp Genetics (formerly Invitae), Labcorp); PubMed 11844822 (cited by Ambry Genetics); PubMed 20104584 (cited by Labcorp Genetics (formerly Invitae), Labcorp); PubMed 26295337 (cited by Quest Diagnostics Nichols Institute San Juan Capistrano).